The following is an entry in ClinVar:

NM_000553.6(WRN):c.326G>A (p.Cys109Tyr)

Gene: WRN (WRN RecQ like helicase; plus strand). Cytogenetic location: 8p12.
Variant type: single nucleotide variant.
Coding change: c.326G>A on transcript NM_000553.6 (MANE Select); coding-DNA position 326, G replaced by A.
Protein change: p.Cys109Tyr; replaces cysteine 109 with tyrosine.
Molecular consequence: missense variant.
Genome position (GRCh38, 1-based): chr8:31,064,405, G>A. VCF-style: chr8-31064405-G-A. GRCh37 (hg19) VCF-style: chr8-30921921-G-A.
Other names: short protein forms C109Y.
Identifiers: ClinVar variation 238151 (VCV000238151.10), dbSNP rs142346721, ClinGen allele CA4704030.
Genomic context (GRCh38, chr8:31,064,405, plus strand): 5'-ACAATAGAGGGAAACTTGGCAAAGTTGCACTAATTCAGTTGTGTGTTTCTGAGAGCAAAT[G>A]TTACTTGTTCCACGTTTCTTCCATGTCAGGTTGGTATCTCTACATTTCATTTTTATATGG-3'
Protein context (NP_000544.2, residues 99-119): LIQLCVSESK[Cys109Tyr]YLFHVSSMSV

ClinVar aggregate classification (germline): Uncertain significance. Review status: criteria provided, single submitter (1 of 4 stars). 2 submissions from 2 submitters: Uncertain significance (1). 1 of the submissions does not count toward it. Last evaluated 2024-11-04.

Conditions:
WRN-related disorder. Also called: WRN-related condition.
Werner syndrome (WRN). Identifiers: Orphanet 902, MedGen C0043119, MONDO:0010196, OMIM 277700.

Allele frequency attached by ClinVar (database versions not stated): gnomAD exomes 0.00004; ExAC 0.00006; TOPMed 0.00020; ESP Exome Variant Server 0.00023; gnomAD 0.00023 and 0.00025; 1000 Genomes Project 30x 0.00031; 1000 Genomes Project 0.00040.
gnomAD v4.1: 90 of 1,614,070 alleles (0.0056%); highest among the groups gnomAD compares: African/African-American, 0.087%; no homozygotes.

Submissions (2):

Labcorp Genetics (formerly Invitae), Labcorp
Classification: Uncertain significance for Werner syndrome. Last evaluated: 2024-11-04. Review status: criteria provided, single submitter. Criteria: Invitae Variant Classification Sherloc (09022015). Collection method: clinical testing. Allele origin: germline.
Comment: This sequence change replaces cysteine, which is neutral and slightly polar, with tyrosine, which is neutral and polar, at codon 109 of the WRN protein (p.Cys109Tyr). This variant is present in population databases (rs142346721, gnomAD 0.05%). This variant has not been reported in the literature in individuals affected with WRN-related conditions. ClinVar contains an entry for this variant (Variation ID: 238151). An algorithm developed to predict the effect of missense changes on protein structure and function (PolyPhen-2) suggests that this variant is likely to be disruptive. In summary, the available evidence is currently insufficient to determine the role of this variant in disease. Therefore, it has been classified as a Variant of Uncertain Significance.

PreventionGenetics, part of Exact Sciences
Classification: Uncertain significance for WRN-related condition. Last evaluated: 2024-01-16. Review status: no assertion criteria provided. Collection method: clinical testing. Allele origin: germline. Not counted in ClinVar's aggregate classification.
Comment: The WRN c.326G>A variant is predicted to result in the amino acid substitution p.Cys109Tyr. To our knowledge, this variant has not been reported in the literature. This variant is reported in 0.048% of alleles in individuals of African descent in gnomAD. At this time, the clinical significance of this variant is uncertain due to the absence of conclusive functional and genetic evidence.